The following is an entry in ClinVar:

ClinVar aggregate classification (germline): Uncertain significance (1 of 4 stars; one submission).

Submission:

Labcorp Genetics (formerly Invitae), Labcorp
Classification: Uncertain significance. Last evaluated: 2024-02-22. Review status: criteria provided, single submitter. Criteria: Invitae Variant Classification Sherloc (09022015). Collection method: clinical testing. Allele origin: germline.
Comment: This sequence change replaces aspartic acid, which is acidic and polar, with histidine, which is basic and polar, at codon 627 of the STAG2 protein (p.Asp627His). This variant is not present in population databases (gnomAD no frequency). This variant has not been reported in the literature in individuals affected with STAG2-related conditions. Advanced modeling of protein sequence and biophysical properties (such as structural, functional, and spatial information, amino acid conservation, physicochemical variation, residue mobility, and thermodynamic stability) performed at Invitae indicates that this missense variant is not expected to disrupt STAG2 protein function with a negative predictive value of 80%. In summary, the available evidence is currently insufficient to determine the role of this variant in disease. Therefore, it has been classified as a Variant of Uncertain Significance.

NM_001042750.2(STAG2):c.1879G>C (p.Asp627His)

Gene: STAG2 (STAG2 cohesin complex component; plus strand). Cytogenetic location: Xq25.
Variant type: single nucleotide variant.
Coding change: c.1879G>C on transcript NM_001042750.2 (MANE Select); coding-DNA position 1879, G replaced by C.
Protein change: p.Asp627His; replaces aspartic acid 627 with histidine.
Molecular consequence: missense variant.
Genome position (GRCh38, 1-based): chrX:124,063,905, G>C. VCF-style: chrX-124063905-G-C. GRCh37 (hg19) VCF-style: chrX-123197755-G-C.
Other names: c.1879G>C, p.Asp627His (NM_001042749.2, NM_001042751.2, NM_001282418.2 and 13 more transcripts); short protein forms D627H.
Identifiers: ClinVar variation 3642456 (VCV003642456.2).
Genomic context (GRCh38, chrX:124,063,905, plus strand): 5'-CAGCATTTGGATGCCTTATTGCGACAGATCCGGAATATTGTAGAGAAGCACACAGATACA[G>C]ATGTTTTGGAAGCATGTTCTAAAACTTACCATGCACTCTGTAATGAAGAGTTCACAATCT-3'
Protein context (NP_001036215.1, residues 617-637): RNIVEKHTDT[Asp627His]VLEACSKTYH